The following is an entry in ClinVar:

NM_000059.4(BRCA2):c.4909del (p.Val1637fs)

Gene: BRCA2 (BRCA2 DNA repair associated; plus strand). Cytogenetic location: 13q13.1.
Variant type: Deletion.
Coding change: c.4909del on transcript NM_000059.4 (MANE Select); coding-DNA position 4909, one base deleted (G; older notation c.4909delG).
Protein change: p.Val1637fs; shifts the reading frame from valine 1637.
Molecular consequence: frameshift variant.
Genome position (GRCh38, 1-based): chr13:32,339,264, G deleted. VCF-style (leftmost placement, unchanged base first): chr13-32339263-AG-A. GRCh37 (hg19) VCF-style: chr13-32913400-AG-A.
Other names: c.4909delG (NM_000059.3); short protein forms V1637fs.
Identifiers: ClinVar variation 420258 (VCV000420258.11), dbSNP rs1064794377, ClinGen allele CA16619716.

ClinVar aggregate classification (germline): Pathogenic. Review status: reviewed by expert panel (3 of 4 stars). 3 submissions from 3 submitters: Pathogenic (1). 2 of the submissions do not count toward it. Last evaluated 2017-12-15.

Conditions:
Breast-ovarian cancer, familial, susceptibility to, 2 (BROVCA2). Also called: BRCA2 Hereditary Breast and Ovarian Cancer. Identifiers: Orphanet 145, MedGen C2675520, MONDO:0012933, OMIM 612555. Disease mechanism: loss of function.
Hereditary breast ovarian cancer syndrome. Also called: Hereditary breast and ovarian cancer syndrome; BRCA1- and BRCA2-Associated Hereditary Breast and Ovarian Cancer; Hereditary breast and/or ovarian cancer syndrome; Hereditary breast and ovarian cancer; Breast and ovarian cancer; Hereditary breast and ovarian cancer syndrome (HBOC). Identifiers: Orphanet 145, MedGen C0677776, MeSH D061325, MONDO:0003582. Disease mechanism: loss of function.

Submissions (3):

Evidence-based Network for the Interpretation of Germline Mutant Alleles (ENIGMA)
Classification: Pathogenic for Breast-ovarian cancer, familial, susceptibility to, 2. Last evaluated: 2017-12-15. Review status: reviewed by expert panel. Criteria: ENIGMA BRCA1/2 Classification Criteria (2017-06-29). Collection method: curation. Allele origin: germline. Study: ENIGMA.
Comment: Variant allele predicted to encode a truncated non-functional protein.

Labcorp Genetics (formerly Invitae), Labcorp
Classification: Pathogenic for Hereditary breast ovarian cancer syndrome. Last evaluated: 2025-12-14. Review status: criteria provided, single submitter. Criteria: Invitae Variant Classification Sherloc (09022015). Collection method: clinical testing. Allele origin: germline. Not counted in ClinVar's aggregate classification.
Comment: This sequence change creates a premature translational stop signal (p.Val1637Leufs*7) in the BRCA2 gene. It is expected to result in an absent or disrupted protein product. Loss-of-function variants in BRCA2 are known to be pathogenic (PMID: 20104584). This variant is not present in population databases (gnomAD no frequency). This variant has not been reported in the literature in individuals affected with BRCA2-related conditions. ClinVar contains an entry for this variant (Variation ID: 420258). For these reasons, this variant has been classified as Pathogenic.

GeneDx
Classification: Pathogenic. Last evaluated: 2015-12-11. Review status: criteria provided, single submitter. Criteria: GeneDx Variant Classification (06012015). Collection method: clinical testing. Allele origin: germline. Affected: yes. Not counted in ClinVar's aggregate classification.
Comment: This deletion of one nucleotide in BRCA2 is denoted c.4909delG at the cDNA level and p.Val1637LeufsX7 (V1637LfsX7) at the protein level. Using alternate nomenclature, this variant would be defined as BRCA2 5137delG. The normal sequence, with the base that is deleted in braces, is GAAA[G]TTAA. The deletion causes a frameshift, which changes a Valine to a Leucine at codon 1637, and creates a premature stop codon at position 7 of the new reading frame. Although this variant has not, to our knowledge, been reported in the literature, it is predicted to cause loss of normal protein function through either protein truncation or nonsense-mediated mRNA decay. We consider this variant to be pathogenic.

Literature cited by the submitters: PubMed 20104584 (cited by Labcorp Genetics (formerly Invitae), Labcorp).